The following is an entry in ClinVar:

NM_016816.4(OAS1):c.470-7C>T

Gene: OAS1 (2'-5'-oligoadenylate synthetase 1; plus strand). Cytogenetic location: 12q24.13.
Variant type: single nucleotide variant.
Coding change: c.470-7C>T on transcript NM_016816.4 (MANE Select); 7 bases into the intron before coding-DNA position 470, C replaced by T.
Molecular consequence: intron variant.
Genome position (GRCh38, 1-based): chr12:112,911,044, C>T. VCF-style: chr12-112911044-C-T. GRCh37 (hg19) VCF-style: chr12-113348849-C-T.
Other names: p.?; c.470-7C>T (NM_001320151.2, NM_001032409.3, NM_002534.4 and 1 more transcripts).
Identifiers: ClinVar variation 1167215 (VCV001167215.16), dbSNP rs7955146, ClinGen allele CA6799794.

ClinVar aggregate classification (germline): Benign. Review status: criteria provided, multiple submitters, no conflicts (2 of 4 stars). 6 submissions from 6 submitters: Benign (5). 1 of the submissions does not count toward it. Last evaluated 2026-02-04.

Conditions:
OAS1-related disorder. Also called: OAS1-related condition.

Allele frequency attached by ClinVar (database versions not stated): 1000 Genomes Project 30x 0.11259; ExAC 0.02869; ESP Exome Variant Server 0.10065; 1000 Genomes Project 0.10104.
gnomAD v4.1: 27,167 of 1,611,036 alleles (1.7%); highest among the groups gnomAD compares: African/African-American, 31%; 3,678 homozygotes.

Submissions (6):

Labcorp Genetics (formerly Invitae), Labcorp
Classification: Benign. Last evaluated: 2026-02-04. Review status: criteria provided, single submitter. Criteria: Invitae Variant Classification Sherloc (09022015). Collection method: clinical testing. Allele origin: germline.

Women's Health and Genetics/Laboratory Corporation of America, LabCorp
Classification: Benign. Last evaluated: 2026-01-21. Review status: criteria provided, single submitter. Criteria: LabCorp Variant Classification Summary - May 2015. Collection method: clinical testing. Allele origin: germline.

Mayo Clinic Laboratories, Mayo Clinic
Classification: Benign. Last evaluated: 2023-08-04. Review status: criteria provided, single submitter. Criteria: ACMG Guidelines, 2015. Collection method: clinical testing. Allele origin: germline. Observed: 17 variant alleles.

GeneDx
Classification: Benign. Last evaluated: 2021-05-04. Review status: criteria provided, single submitter. Criteria: GeneDx Variant Classification Process June 2021. Collection method: clinical testing. Allele origin: germline. Affected: yes.

Breakthrough Genomics
Classification: Benign. Review status: criteria provided, single submitter. Criteria: ACMG Guidelines, 2015. Collection method: not provided. Allele origin: germline. Inheritance: Autosomal dominant inheritance. Affected: yes.

PreventionGenetics, part of Exact Sciences
Classification: Benign for OAS1-related condition. Last evaluated: 2019-11-06. Review status: no assertion criteria provided. Collection method: clinical testing. Allele origin: germline. Not counted in ClinVar's aggregate classification.
Comment: This variant is classified as benign based on ACMG/AMP sequence variant interpretation guidelines (Richards et al. 2015 PMID: 25741868, with internal and published modifications).